The following is an entry in ClinVar:

NM_152383.5(DIS3L2):c.2229C>T (p.Arg743=)

Gene: DIS3L2 (DIS3 like 3'-5' exoribonuclease 2; plus strand). Cytogenetic location: 2q37.1.
Variant type: single nucleotide variant.
Coding change: c.2229C>T on transcript NM_152383.5 (MANE Select); coding-DNA position 2229, C replaced by T.
Protein change: p.Arg743=; no amino-acid change (arginine 743 retained).
Molecular consequence: synonymous variant. On other transcripts: non-coding transcript variant (2), intron variant (1).
Genome position (GRCh38, 1-based): chr2:232,334,439, C>T. VCF-style: chr2-232334439-C-T. GRCh37 (hg19) VCF-style: chr2-233199149-C-T.
Other names: c.1582-8906C>T (NM_001257281.2).
Identifiers: ClinVar variation 582637 (VCV000582637.26), dbSNP rs1350662445, ClinGen allele CA431947665.

ClinVar aggregate classification (germline): Likely benign. Review status: criteria provided, multiple submitters, no conflicts (2 of 4 stars). 3 submissions from 3 submitters: Likely benign (2). 1 of the submissions does not count toward it. Last evaluated 2025-08-06.

Conditions:
DIS3L2-related disorder. Also called: DIS3L2-related condition.
Perlman syndrome (PRLMNS). Identifiers: Orphanet 2849, MedGen C0796113, MONDO:0009965, OMIM 267000.

Allele frequency attached by ClinVar (database versions not stated): gnomAD 0.00001; gnomAD exomes 0.00001; TOPMed 0.00001.
gnomAD v4.1: 15 of 1,613,804 alleles (0.00093%); highest among the groups gnomAD compares: Non-Finnish European, 0.0012%; no homozygotes.

Submissions (3):

Labcorp Genetics (formerly Invitae), Labcorp
Classification: Likely benign for Perlman syndrome. Last evaluated: 2025-08-06. Review status: criteria provided, single submitter. Criteria: Invitae Variant Classification Sherloc (09022015). Collection method: clinical testing. Allele origin: germline.

CeGaT Center for Human Genetics Tuebingen
Classification: Likely benign. Last evaluated: 2024-11-01. Review status: criteria provided, single submitter. Criteria: CeGaT Center For Human Genetics Tuebingen Variant Classification Criteria Version 2. Collection method: clinical testing. Allele origin: germline. Affected: yes. Observed: 1 variant allele.
Comment: DIS3L2: BP4, BP7

PreventionGenetics, part of Exact Sciences
Classification: Likely benign for DIS3L2-related condition. Last evaluated: 2022-05-10. Review status: no assertion criteria provided. Collection method: clinical testing. Allele origin: germline. Not counted in ClinVar's aggregate classification.
Comment: This variant is classified as likely benign based on ACMG/AMP sequence variant interpretation guidelines (Richards et al. 2015 PMID: 25741868, with internal and published modifications).